The following is an entry in ClinVar:

NM_003482.4(KMT2D):c.8203G>A (p.Gly2735Ser)

Gene: KMT2D (lysine methyltransferase 2D; minus strand). Cytogenetic location: 12q13.12.
Variant type: single nucleotide variant.
Coding change: c.8203G>A on transcript NM_003482.4 (MANE Select); coding-DNA position 8203, G replaced by A.
Protein change: p.Gly2735Ser; replaces glycine 2735 with serine.
Molecular consequence: missense variant.
Genome position (GRCh38, 1-based): chr12:49,039,461, C>T on the plus strand (G>A on the coding strand, the complement: KMT2D is on the minus strand). VCF-style: chr12-49039461-C-T. GRCh37 (hg19) VCF-style: chr12-49433244-C-T.
Other names: short protein forms G2735S.
Identifiers: ClinVar variation 2442484 (VCV002442484.1), dbSNP rs755221215, ClinGen allele CA384743375.

ClinVar aggregate classification (germline): Uncertain significance (1 of 4 stars; one submission).

gnomAD v4.1: 18 of 1,603,444 alleles (0.0011%); highest among the groups gnomAD compares: Non-Finnish European, 0.0014%; no homozygotes.

Submission:

GeneDx
Classification: Uncertain significance. Last evaluated: 2022-09-06. Review status: criteria provided, single submitter. Criteria: GeneDx Variant Classification Process June 2021. Collection method: clinical testing. Allele origin: germline. Affected: yes.
Comment: Not observed at significant frequency in large population cohorts (gnomAD); In silico analysis supports that this missense variant does not alter protein structure/function; Has not been previously published as pathogenic or benign to our knowledge